The following is an entry in ClinVar:

ClinVar aggregate classification (germline): Benign/Likely benign. Review status: criteria provided, multiple submitters, no conflicts (2 of 4 stars). 13 submissions from 13 submitters: Benign (8); Likely benign (2). 3 of the submissions do not count toward it. Last evaluated 2026-10-01.

Conditions:
Norman-Roberts syndrome (LIS2). Also called: Lissencephaly 2 (Norman-Roberts type). Identifiers: Orphanet 89844, MedGen C0796089, MONDO:0009760, OMIM 257320.
Familial temporal lobe epilepsy 7. Identifiers: Orphanet 101046, MedGen C4225327, MONDO:0014639, OMIM 616436.

Allele frequency attached by ClinVar (database versions not stated): gnomAD 0.01176 and 0.01141; 1000 Genomes Project 30x 0.00547; ExAC 0.01021; 1000 Genomes Project 0.00579; gnomAD exomes 0.01020; ESP Exome Variant Server 0.01099; TOPMed 0.01182.
gnomAD v4.1: 23,540 of 1,613,988 alleles (1.5%); highest among the groups gnomAD compares: Non-Finnish European, 1.8%; 217 homozygotes.

Submissions (13):

CeGaT Center for Human Genetics Tuebingen
Classification: Benign. Last evaluated: 2026-10-01. Review status: criteria provided, single submitter. Criteria: CeGaT Center For Human Genetics Tuebingen Variant Classification Criteria Version 2. Collection method: clinical testing. Allele origin: germline. Affected: yes. Observed: 35 variant alleles.
Comment: RELN: BS1, BS2

Labcorp Genetics (formerly Invitae), Labcorp
Classification: Benign for Familial temporal lobe epilepsy 7; Norman-Roberts syndrome. Last evaluated: 2026-02-03. Review status: criteria provided, single submitter. Criteria: Invitae Variant Classification Sherloc (09022015). Collection method: clinical testing. Allele origin: germline.

Athena Diagnostics
Classification: Benign. Last evaluated: 2025-05-06. Review status: criteria provided, single submitter. Criteria: Athena Diagnostics Criteria. Collection method: clinical testing. Allele origin: unknown.
Comment: The frequency of this variant in the general population is higher than would generally be expected for pathogenic variants in this gene.

Blueprint Genetics
Classification: Likely benign. Last evaluated: 2024-11-27. Review status: criteria provided, single submitter. Criteria: ACMG Guidelines, 2015. Collection method: clinical testing. Allele origin: germline.

Mayo Clinic Laboratories, Mayo Clinic
Classification: Benign. Last evaluated: 2018-09-07. Review status: criteria provided, single submitter. Criteria: ACMG Guidelines, 2015. Collection method: clinical testing. Allele origin: germline. Observed: 14 variant alleles.

Illumina Laboratory Services, Illumina
Classification: Benign for Norman-Roberts syndrome. Last evaluated: 2017-04-27. Review status: criteria provided, single submitter. Criteria: ICSL Variant Classification Criteria 13 December 2019. Collection method: clinical testing. Allele origin: germline.
Comment: This variant was observed as part of a predisposition screen in an ostensibly healthy population. A literature search was performed for the gene, cDNA change, and amino acid change (where applicable). Publications were found based on this search. The evidence from the literature, in combination with allele frequency data from public databases where available, was sufficient to rule this variant out of causing disease. Therefore, this variant is classified as benign.

GeneDx
Classification: Benign. Last evaluated: 2016-03-25. Review status: criteria provided, single submitter. Criteria: GeneDx Variant Classification (06012015). Collection method: clinical testing. Allele origin: germline. Affected: yes.
Comment: This variant is considered likely benign or benign based on one or more of the following criteria: it is a conservative change, it occurs at a poorly conserved position in the protein, it is predicted to be benign by multiple in silico algorithms, and/or has population frequency not consistent with disease.

Eurofins Ntd Llc (ga)
Classification: Benign. Last evaluated: 2013-06-21. Review status: criteria provided, single submitter. Criteria: EGL Classification Definitions 2015. Collection method: clinical testing. Allele origin: germline. Observed: 1 variant allele, 1 heterozygote.

Breakthrough Genomics
Classification: Likely benign. Review status: criteria provided, single submitter. Criteria: ACMG Guidelines, 2015. Collection method: not provided. Allele origin: germline. Inheritance: Autosomal recessive inheritance. Affected: yes.

PreventionGenetics, part of Exact Sciences
Classification: Benign. Review status: criteria provided, single submitter. Criteria: ACMG Guidelines, 2015. Collection method: clinical testing. Allele origin: germline.

Clinical Genetics DNA and cytogenetics Diagnostics Lab, Erasmus MC, Erasmus Medical Center
Classification: Benign. Review status: no assertion criteria provided. Collection method: clinical testing. Allele origin: germline. Affected: yes. Study: VKGL Data-share Consensus. Not counted in ClinVar's aggregate classification.

Clinical Genetics, Academic Medical Center
Classification: Likely benign. Review status: no assertion criteria provided. Collection method: clinical testing. Allele origin: germline. Affected: yes. Study: VKGL Data-share Consensus. Not counted in ClinVar's aggregate classification.

Genetic Services Laboratory, University of Chicago
Classification: Likely benign for AllHighlyPenetrant. Review status: no assertion criteria provided. Collection method: clinical testing. Allele origin: germline. Inheritance: Autosomal recessive inheritance. Not counted in ClinVar's aggregate classification.
Comment: Likely benign based on allele frequency in 1000 Genomes Project or ESP global frequency and its presence in a patient with a rare or unrelated disease phenotype. NOT Sanger confirmed.

Literature cited by the submitters: PubMed 14515139 (cited by Athena Diagnostics and Illumina Laboratory Services, Illumina); PubMed 23757202 (cited by Illumina Laboratory Services, Illumina).

NM_005045.4(RELN):c.3839G>A (p.Gly1280Glu)

Gene: RELN (reelin; minus strand). Cytogenetic location: 7q22.1.
Variant type: single nucleotide variant.
Coding change: c.3839G>A on transcript NM_005045.4 (MANE Select); coding-DNA position 3839, G replaced by A.
Protein change: p.Gly1280Glu; replaces glycine 1280 with glutamic acid.
Molecular consequence: missense variant.
Genome position (GRCh38, 1-based): chr7:103,593,755, C>T on the plus strand (G>A on the coding strand, the complement: RELN is on the minus strand). VCF-style: chr7-103593755-C-T. GRCh37 (hg19) VCF-style: chr7-103234202-C-T.
Other names: c.3839G>A, p.Gly1280Glu (NM_173054.3); short protein forms G1280E.
Identifiers: ClinVar variation 95219 (VCV000095219.40), dbSNP rs55689103, ClinGen allele CA148343.